The following is an entry in ClinVar:

NM_000548.5(TSC2):c.2545+6T>G

Gene: TSC2 (TSC complex subunit 2; plus strand). Cytogenetic location: 16p13.3.
Variant type: single nucleotide variant.
Coding change: c.2545+6T>G on transcript NM_000548.5 (MANE Select); 6 bases into the intron after coding-DNA position 2545, T replaced by G.
Molecular consequence: intron variant.
Genome position (GRCh38, 1-based): chr16:2,074,395, T>G. VCF-style: chr16-2074395-T-G. GRCh37 (hg19) VCF-style: chr16-2124396-T-G.
Other names: c.2545+6T>G (NM_001114382.3, NM_021055.3, NM_001370405.1 and 3 more transcripts); c.2434+6T>G (NM_001318827.2); c.1945+6T>G (NM_001318831.2); c.2398+6T>G (NM_001318829.2); c.2578+6T>G (NM_001318832.2).
Identifiers: ClinVar variation 50073 (VCV000050073.6), dbSNP rs45517245, ClinGen allele CA017619.
Genomic context (GRCh38, chr16:2,074,395, plus strand): 5'-ACGCACATCTCAGCCACAGCCAGCATGGCCGTCCCACTGCTGGAGTTCCTGTCCAGTGAG[T>G]CCCCGCCCTGCCTGCGCATGCACCCGAGAGGTTCGGGCTGTGTAACCTGTGCGGGCTTCT-3'

ClinVar aggregate classification (germline): Uncertain significance. Review status: criteria provided, multiple submitters, no conflicts (2 of 4 stars). 3 submissions from 3 submitters: Uncertain significance (2). 1 of the submissions does not count toward it. Last evaluated 2025-05-05.

Conditions:
Tuberous sclerosis 2 (TSC2). Identifiers: Orphanet 805, MedGen C1860707, MONDO:0013199, OMIM 613254.
Tuberous sclerosis syndrome (TSC). Also called: Tuberous Sclerosis Complex; Tuberous sclerosis. Identifiers: Orphanet 805, MedGen C0041341, MONDO:0001734.

Submissions (3):

Quest Diagnostics Nichols Institute San Juan Capistrano
Classification: Uncertain significance. Last evaluated: 2025-05-05. Review status: criteria provided, single submitter. Criteria: Quest Diagnostics criteria. Collection method: clinical testing. Allele origin: unknown.

Labcorp Genetics (formerly Invitae), Labcorp
Classification: Uncertain significance for Tuberous sclerosis 2. Last evaluated: 2023-07-26. Review status: criteria provided, single submitter. Criteria: Invitae Variant Classification Sherloc (09022015). Collection method: clinical testing. Allele origin: germline.
Comment: This sequence change falls in intron 22 of the TSC2 gene. It does not directly change the encoded amino acid sequence of the TSC2 protein. RNA analysis indicates that this variant induces altered splicing and likely results in the gain of 12 amino acid residue(s), but is expected to preserve the integrity of the reading-frame. This variant is not present in population databases (gnomAD no frequency). This variant has been observed in individual(s) with clinical features of tuberous sclerosis complex (Invitae). ClinVar contains an entry for this variant (Variation ID: 50073). Variants that disrupt the consensus splice site are a relatively common cause of aberrant splicing (PMID: 17576681, 9536098). Studies have shown that this variant results in the activation of a cryptic splice site in intron 22 (Invitae). In summary, the available evidence is currently insufficient to determine the role of this variant in disease. Therefore, it has been classified as a Variant of Uncertain Significance.

Tuberous sclerosis database (TSC2)
No classification provided. Condition: TSC. Review status: no classification provided. Criteria: Tuberous Sclerosis Database Assertion Criteria 2015. Collection method: curation. Allele origin: germline. Affected: yes. Not counted in ClinVar's aggregate classification.

Literature cited by the submitters: PubMed 17576681 (cited by Labcorp Genetics (formerly Invitae), Labcorp); PubMed 9536098 (cited by Labcorp Genetics (formerly Invitae), Labcorp).